The following is an entry in ClinVar:

ClinVar aggregate classification (germline): Uncertain significance (1 of 4 stars; one submission).

gnomAD v4.1: 9 of 1,607,400 alleles (0.00056%); highest among the groups gnomAD compares: Non-Finnish European, 0.00068%; no homozygotes.

Submission:

Women's Health and Genetics/Laboratory Corporation of America, LabCorp
Classification: Uncertain significance. Last evaluated: 2024-11-19. Review status: criteria provided, single submitter. Criteria: LabCorp Variant Classification Summary - May 2015. Collection method: clinical testing. Allele origin: germline.
Comment: Variant summary: MYH9 c.5275-4G>A alters a non-conserved nucleotide located close to a canonical splice site and therefore could affect mRNA splicing, leading to a significantly altered protein sequence. Consensus agreement among computation tools predict no significant impact on normal splicing. However, these predictions have yet to be confirmed by functional studies. The variant was absent in 246490 control chromosomes (gnomAD). The available data on variant occurrences in the general population are insufficient to allow any conclusion about variant significance. To our knowledge, no occurrence of c.5275-4G>A in individuals affected with Macrothrombocytopenia And Granulocyte Inclusions With Or Without Nephritis Or Sensorineural Hearing Loss and no experimental evidence demonstrating its impact on protein function have been reported. No submitters have cited clinical-significance assessments for this variant to ClinVar. Based on the evidence outlined above, the variant was classified as uncertain significance.

NM_002473.6(MYH9):c.5275-4G>A

Gene: MYH9 (myosin heavy chain 9; minus strand). Cytogenetic location: 22q12.3.
Variant type: single nucleotide variant.
Coding change: c.5275-4G>A on transcript NM_002473.6 (MANE Select); 4 bases into the intron before coding-DNA position 5275, G replaced by A.
Molecular consequence: intron variant.
Genome position (GRCh38, 1-based): chr22:36,285,333, C>T on the plus strand (G>A on the coding strand, the complement: MYH9 is on the minus strand). VCF-style: chr22-36285333-C-T. GRCh37 (hg19) VCF-style: chr22-36681379-C-T.
Identifiers: ClinVar variation 3630009 (VCV003630009.1).
Genomic context (GRCh38, chr22:36,285,333, plus strand): 5'-CTCGTTCTTCTGGGCGTGGCTGCGCTCCAGGTTCAGGTCGGTGTTGATCTGGTCGATCTG[C>T]AGAAGAAGGGCCAGTGACCTTGGGGAGGGCTGGGGCCCTGGCTGGAGGGCATGAGCAGGG-3'